The following is an entry in ClinVar:

ClinVar aggregate classification (germline): Conflicting classifications of pathogenicity. Review status: criteria provided, conflicting classifications (1 of 4 stars). 3 submissions from 3 submitters: Uncertain significance (1); Likely benign (2). Last evaluated 2024-08-31.

Conditions:
Cardiovascular phenotype. Identifiers: MedGen CN230736.
Danon disease. Also called: GSD IIb; LYSOSOMAL GLYCOGEN STORAGE DISEASE WITHOUT ACID MALTASE DEFICIENCY; Glycogen Storage Disease Type IIb; PSEUDOGLYCOGENOSIS II; ANTOPOL DISEASE. Identifiers: Orphanet 34587, MedGen C0878677, MONDO:0010281, OMIM 300257.
Cardiomyopathy (CMYO). Also called: Cardiomyopathies. Identifiers: Orphanet 167848, MedGen C0878544, MONDO:0004994, HP:0001638. Inheritance: Various modes of inheritance.

Allele frequency attached by ClinVar (database versions not stated): gnomAD exomes below 0.00001; ExAC 0.00001.

Submissions (3):

Labcorp Genetics (formerly Invitae), Labcorp
Classification: Likely benign for Danon disease. Last evaluated: 2024-08-31. Review status: criteria provided, single submitter. Criteria: Invitae Variant Classification Sherloc (09022015). Collection method: clinical testing. Allele origin: germline.

Ambry Genetics
Classification: Uncertain significance for Cardiovascular phenotype. Last evaluated: 2023-07-03. Review status: criteria provided, single submitter. Criteria: Ambry Variant Classification Scheme 2023. Collection method: clinical testing. Allele origin: germline.
Comment: The c.9C>T variant (also known as p.C3C), located in coding exon 1 of the LAMP2 gene, results from a C to T substitution at nucleotide position 9. This nucleotide substitution does not change the cysteine at codon 3. Based on data from gnomAD, the T allele has an overall frequency of 0.0011% (2/182421) total alleles studied, with 1 hemizygote(s) observed. The highest observed frequency was 0.0105% (2/19074) of South Asian alleles. This nucleotide position is highly conserved in available vertebrate species. In silico splice site analysis for this alteration is inconclusive. Since supporting evidence is limited at this time, the clinical significance of this alteration remains unclear.

CHEO Genetics Diagnostic Laboratory, Children's Hospital of Eastern Ontario
Classification: Likely benign for Cardiomyopathy. Last evaluated: 2023-01-05. Review status: criteria provided, single submitter. Criteria: ACMG Guidelines, 2015. Collection method: clinical testing. Allele origin: germline.

NM_002294.3(LAMP2):c.9C>T (p.Cys3=)

Gene: LAMP2 (lysosome associated membrane protein 2; minus strand). Cytogenetic location: Xq24.
Variant type: single nucleotide variant.
Coding change: c.9C>T on transcript NM_002294.3 (MANE Select); coding-DNA position 9, C replaced by T.
Protein change: p.Cys3=; no amino-acid change (cysteine 3 retained).
Molecular consequence: synonymous variant.
Genome position (GRCh38, 1-based): chrX:120,469,161, G>A on the plus strand (C>T on the coding strand, the complement: LAMP2 is on the minus strand). VCF-style: chrX-120469161-G-A. GRCh37 (hg19) VCF-style: chrX-119603016-G-A.
Other names: c.9C>T, p.Cys3= (NM_001122606.1, NM_013995.2).
Identifiers: ClinVar variation 2626685 (VCV002626685.6), dbSNP rs775032667, ClinGen allele CA10505376.
Genomic context (GRCh38, chrX:120,469,161, plus strand): 5'-CTCACCCAGGACTAGGCAGACCAGAACGAGCCCTGAGCCCGGAACCGGGAAGAGGCGGAA[G>A]CACACCATGACCCCGCAGAGCAGGCGGCGACGGCGGCGACGGCGGCGGTACAACAACAGC-3'
Protein context (NP_002285.1, residues 1-13): MV[Cys3=]FRLFPVPGSG